The following is an entry in ClinVar:

NM_004304.5(ALK):c.4530G>C (p.Trp1510Cys)

Gene: ALK (ALK receptor tyrosine kinase; minus strand). Cytogenetic location: 2p23.2.
Variant type: single nucleotide variant.
Coding change: c.4530G>C on transcript NM_004304.5 (MANE Select); coding-DNA position 4530, G replaced by C.
Protein change: p.Trp1510Cys; replaces tryptophan 1510 with cysteine.
Molecular consequence: missense variant.
Genome position (GRCh38, 1-based): chr2:29,193,557, C>G on the plus strand (G>C on the coding strand, the complement: ALK is on the minus strand). VCF-style: chr2-29193557-C-G. GRCh37 (hg19) VCF-style: chr2-29416423-C-G.
Other names: c.1326G>C, p.Trp442Cys (NM_001353765.2); short protein forms W1510C, W442C.
Identifiers: ClinVar variation 569779 (VCV000569779.11), dbSNP rs772430445, ClinGen allele CA1593547.

ClinVar aggregate classification (germline): Uncertain significance. Review status: criteria provided, multiple submitters, no conflicts (2 of 4 stars). 3 submissions from 3 submitters: Uncertain significance (3). Last evaluated 2026-01-17.

Conditions:
Hereditary cancer-predisposing syndrome. Also called: Hereditary neoplastic syndrome; Neoplastic Syndromes, Hereditary; Hereditary Cancer Syndrome; Tumor predisposition. Identifiers: Orphanet 140162, MedGen C0027672, MeSH D009386, MONDO:0015356.
Neuroblastoma, susceptibility to, 3. Also called: ALK-Related Neuroblastic Tumor Susceptibility. Identifiers: Orphanet 635, MedGen C2751681, MONDO:0013083, OMIM 613014.

Allele frequency attached by ClinVar (database versions not stated): gnomAD exomes below 0.00001 and 0.00001; ExAC 0.00001; TOPMed 0.00001; gnomAD 0.00003 and 0.00004.
gnomAD v4.1: 7 of 1,614,104 alleles (0.00043%); highest among the groups gnomAD compares: African/African-American, 0.0093%; no homozygotes.

Submissions (3):

Labcorp Genetics (formerly Invitae), Labcorp
Classification: Uncertain significance for Neuroblastoma, susceptibility to, 3. Last evaluated: 2026-01-17. Review status: criteria provided, single submitter. Criteria: Invitae Variant Classification Sherloc (09022015). Collection method: clinical testing. Allele origin: germline.
Comment: This sequence change replaces tryptophan, which is neutral and slightly polar, with cysteine, which is neutral and slightly polar, at codon 1510 of the ALK protein (p.Trp1510Cys). This variant is present in population databases (rs772430445, gnomAD 0.007%). This variant has not been reported in the literature in individuals affected with ALK-related conditions. ClinVar contains an entry for this variant (Variation ID: 569779). An algorithm developed to predict the effect of missense changes on protein structure and function (PolyPhen-2) suggests that this variant is likely to be disruptive. In summary, the available evidence is currently insufficient to determine the role of this variant in disease. Therefore, it has been classified as a Variant of Uncertain Significance.

Ambry Genetics
Classification: Uncertain significance for Hereditary cancer-predisposing syndrome. Last evaluated: 2024-05-23. Review status: criteria provided, single submitter. Criteria: Ambry Variant Classification Scheme 2023. Collection method: clinical testing. Allele origin: germline.
Comment: The p.W1510C variant (also known as c.4530G>C), located in coding exon 29 of the ALK gene, results from a G to C substitution at nucleotide position 4530. The tryptophan at codon 1510 is replaced by cysteine, an amino acid with highly dissimilar properties. This amino acid position is conserved. In addition, this alteration is predicted to be deleterious by in silico analysis. Since supporting evidence is limited at this time, the clinical significance of this alteration remains unclear.

GeneDx
Classification: Uncertain significance. Last evaluated: 2024-01-31. Review status: criteria provided, single submitter. Criteria: GeneDx Variant Classification Process June 2021. Collection method: clinical testing. Allele origin: germline. Affected: yes.
Comment: Not observed at significant frequency in large population cohorts (gnomAD); In silico analysis supports that this missense variant has a deleterious effect on protein structure/function; Has not been previously published as pathogenic or benign to our knowledge